The following is an entry in ClinVar:

NM_001318852.2(MAPK8IP3):c.1228+3_1228+6del

Gene: MAPK8IP3 (mitogen-activated protein kinase 8 interacting protein 3; plus strand). Cytogenetic location: 16p13.3.
Variant type: Deletion.
Coding change: c.1228+3_1228+6del on transcript NM_001318852.2 (MANE Select); bases 3 to 6 of the intron after coding-DNA position 1228, 4 bases deleted (GAGT; older notation c.1228+3_1228+6delGAGT).
Molecular consequence: splice donor variant.
Genome position (GRCh38, 1-based): chr16:1,758,162-1,758,165, GAGT deleted; deleting any 4 consecutive bases within chr16:1,758,160-1,758,165 gives the same sequence; the c. name uses the placement nearest the transcript's 3' end. VCF-style (leftmost placement, unchanged base first): chr16-1758159-GGTGA-G. GRCh37 (hg19) VCF-style: chr16-1808160-GGTGA-G.
Other names: c.1225+3_1225+6del (NM_015133.5, NM_001040439.2).
Identifiers: ClinVar variation 3038256 (VCV003038256.2), dbSNP rs751963025, ClinGen allele CA7816717.
Genomic context (GRCh38, chr16:1,758,159, plus strand): 5'-CTTTGTCCCTTCCTTCCCCTGCCTCTCTGTGCGTCGCTGGACTCGCCAGGGGAGTTCTCA[GGTGA>G]GTATCTCACTCTCCTGTCTGTCTCCCCTCTGTGTGACGGGGGGAGTGGGTGGACGGGGGA-3'

ClinVar aggregate classification (germline): Likely benign (0 of 4 stars; one submission).

Conditions:
MAPK8IP3-related disorder. Also called: MAPK8IP3-related condition.

Submission:

PreventionGenetics, part of Exact Sciences
Classification: Likely benign for MAPK8IP3-related condition. Last evaluated: 2024-02-18. Review status: no assertion criteria provided. Collection method: clinical testing. Allele origin: germline.
Comment: This variant is classified as likely benign based on ACMG/AMP sequence variant interpretation guidelines (Richards et al. 2015 PMID: 25741868, with internal and published modifications).